The following is an entry in ClinVar:

ClinVar aggregate classification (germline): Uncertain significance (1 of 4 stars; one submission).

Submission:

GeneDx
Classification: Uncertain significance. Last evaluated: 2023-06-02. Review status: criteria provided, single submitter. Criteria: GeneDx Variant Classification Process June 2021. Collection method: clinical testing. Allele origin: germline. Affected: yes.
Comment: Not observed at significant frequency in large population cohorts (gnomAD); In silico analysis supports that this missense variant has a deleterious effect on protein structure/function; Has not been previously published as pathogenic or benign to our knowledge

NM_024306.5(FA2H):c.400G>C (p.Val134Leu)

Gene: FA2H (fatty acid 2-hydroxylase; minus strand). Cytogenetic location: 16q23.1.
Variant type: single nucleotide variant.
Coding change: c.400G>C on transcript NM_024306.5 (MANE Select); coding-DNA position 400, G replaced by C.
Protein change: p.Val134Leu; replaces valine 134 with leucine.
Molecular consequence: missense variant.
Genome position (GRCh38, 1-based): chr16:74,727,350, C>G on the plus strand (G>C on the coding strand, the complement: FA2H is on the minus strand). VCF-style: chr16-74727350-C-G. GRCh37 (hg19) VCF-style: chr16-74761248-C-G.
Other names: short protein forms V134L.
Identifiers: ClinVar variation 3359284 (VCV003359284.1).
Genomic context (GRCh38, chr16:74,727,350, plus strand): 5'-GGATGGGCCTGGTCACCGGCTGGTGAACCCACTCATCGTACTTCTCTCCCAAGTGGCCCA[C>G]CTGCCACAGGAGAGGCTTTCGCCAGTCCACCAGGTCCTGCAAGAGATGAAGCCAAGTGGA-3'
Protein context (NP_077282.3, residues 124-144): VDWRKPLLWQ[Val134Leu]GHLGEKYDEW